The following is an entry in ClinVar:

ClinVar aggregate classification (germline): Uncertain significance. Review status: criteria provided, multiple submitters, no conflicts (2 of 4 stars). 2 submissions from 2 submitters: Uncertain significance (2). Last evaluated 2025-05-21.

Conditions:
Inborn genetic diseases. Identifiers: MedGen C0950123, MeSH D030342.

Allele frequency attached by ClinVar (database versions not stated): TOPMed 0.00001.
gnomAD v4.1: 11 of 1,614,110 alleles (0.00068%); highest among the groups gnomAD compares: Non-Finnish European, 0.00076%; no homozygotes.

Submissions (2):

Ambry Genetics
Classification: Uncertain significance for Inborn genetic diseases. Last evaluated: 2025-05-21. Review status: criteria provided, single submitter. Criteria: Ambry Variant Classification Scheme 2023. Collection method: clinical testing. Allele origin: germline.

Labcorp Genetics (formerly Invitae), Labcorp
Classification: Uncertain significance. Last evaluated: 2023-08-07. Review status: criteria provided, single submitter. Criteria: Invitae Variant Classification Sherloc (09022015). Collection method: clinical testing. Allele origin: germline.
Comment: ClinVar contains an entry for this variant (Variation ID: 2282695). In summary, the available evidence is currently insufficient to determine the role of this variant in disease. Therefore, it has been classified as a Variant of Uncertain Significance. An algorithm developed to predict the effect of missense changes on protein structure and function (PolyPhen-2) suggests that this variant is likely to be disruptive. This variant has not been reported in the literature in individuals affected with TNFRSF11B-related conditions. This variant is not present in population databases (gnomAD no frequency). This sequence change replaces lysine, which is basic and polar, with threonine, which is neutral and polar, at codon 366 of the TNFRSF11B protein (p.Lys366Thr).

NM_002546.4(TNFRSF11B):c.1097A>C (p.Lys366Thr)

Gene: TNFRSF11B (TNF receptor superfamily member 11b; minus strand). Cytogenetic location: 8q24.12.
Variant type: single nucleotide variant.
Coding change: c.1097A>C on transcript NM_002546.4 (MANE Select); coding-DNA position 1097, A replaced by C.
Protein change: p.Lys366Thr; replaces lysine 366 with threonine.
Molecular consequence: missense variant.
Genome position (GRCh38, 1-based): chr8:118,924,483, T>G on the plus strand (A>C on the coding strand, the complement: TNFRSF11B is on the minus strand). VCF-style: chr8-118924483-T-G. GRCh37 (hg19) VCF-style: chr8-119936722-T-G.
Other names: short protein forms K366T.
Identifiers: ClinVar variation 2282695 (VCV002282695.6), dbSNP rs773779681, ClinGen allele CA184863317.